The following is an entry in ClinVar:

NM_001145809.2(MYH14):c.1238G>A (p.Gly413Glu)

Gene: MYH14 (myosin heavy chain 14; plus strand). Cytogenetic location: 19q13.33.
Variant type: single nucleotide variant.
Coding change: c.1238G>A on transcript NM_001145809.2 (MANE Select); coding-DNA position 1238, G replaced by A.
Protein change: p.Gly413Glu; replaces glycine 413 with glutamic acid.
Molecular consequence: missense variant.
Genome position (GRCh38, 1-based): chr19:50,247,031, G>A. VCF-style: chr19-50247031-G-A. GRCh37 (hg19) VCF-style: chr19-50750288-G-A.
Other names: c.1238G>A, p.Gly413Glu (NM_001077186.2); c.1214G>A, p.Gly405Glu (NM_024729.4); short protein forms G405E, G413E.
Identifiers: ClinVar variation 5025102 (VCV005025102.1).

ClinVar aggregate classification (germline): Uncertain significance (1 of 4 stars; one submission).

Conditions:
Inborn genetic diseases. Identifiers: MedGen C0950123, MeSH D030342.

gnomAD v4.1: 4 of 1,612,714 alleles (0.00025%); highest among the groups gnomAD compares: African/African-American, 0.0053%; no homozygotes.

Submission:

Ambry Genetics
Classification: Uncertain significance for Inborn genetic diseases. Last evaluated: 2026-07-08. Review status: criteria provided, single submitter. Criteria: Ambry Variant Classification Scheme 2023. Collection method: clinical testing. Allele origin: germline.
Comment: The c.1214G>A (p.G405E) alteration is located in exon 11 (coding exon 10) of the MYH14 gene. This alteration results from a G to A substitution at nucleotide position 1214, causing the glycine (G) at amino acid position 405 to be replaced by a glutamic acid (E). Based on data from gnomAD, the A allele has an overall frequency of 0.003% (1/31388) total alleles studied. The highest observed frequency was 0.012% (1/8714) of African alleles. Based on insufficient or conflicting evidence, the clinical significance of this alteration remains unclear.